The following is an entry in ClinVar:

ClinVar aggregate classification (germline): Uncertain significance. Review status: criteria provided, multiple submitters, no conflicts (2 of 4 stars). 3 submissions from 3 submitters: Uncertain significance (3). Last evaluated 2025-12-23.

Allele frequency attached by ClinVar (database versions not stated): gnomAD exomes below 0.00001; TOPMed below 0.00001; gnomAD 0.00001.
gnomAD v4.1: 6 of 1,574,142 alleles (0.00038%); highest among the groups gnomAD compares: Middle Eastern, 0.017%; no homozygotes.

Submissions (3):

Labcorp Genetics (formerly Invitae), Labcorp
Classification: Uncertain significance. Last evaluated: 2025-12-23. Review status: criteria provided, single submitter. Criteria: Invitae Variant Classification Sherloc (09022015). Collection method: clinical testing. Allele origin: germline.
Comment: This sequence change falls in intron 8 of the CTNNA1 gene. It does not directly change the encoded amino acid sequence of the CTNNA1 protein. This variant is present in population databases (no rsID available, gnomAD no frequency). This variant has not been reported in the literature in individuals affected with CTNNA1-related conditions. ClinVar contains an entry for this variant (Variation ID: 1505657). Studies have shown that this variant is associated with inconclusive levels of altered splicing (internal data). In summary, the available evidence is currently insufficient to determine the role of this variant in disease. Therefore, it has been classified as a Variant of Uncertain Significance.

GeneDx
Classification: Uncertain significance. Last evaluated: 2024-02-20. Review status: criteria provided, single submitter. Criteria: GeneDx Variant Classification Process June 2021. Collection method: clinical testing. Allele origin: germline. Affected: yes.
Comment: Not observed at significant frequency in large population cohorts (gnomAD); In silico analysis supports a deleterious effect on splicing; Has not been previously published as pathogenic or benign to our knowledge

Blueprint Genetics
Classification: Uncertain significance. Last evaluated: 2020-09-07. Review status: criteria provided, single submitter. Criteria: ACMG Guidelines, 2015. Collection method: clinical testing. Allele origin: germline.

NM_001903.5(CTNNA1):c.1144-13A>G

Gene: CTNNA1 (catenin alpha 1; plus strand). Cytogenetic location: 5q31.2.
Variant type: single nucleotide variant.
Coding change: c.1144-13A>G on transcript NM_001903.5 (MANE Select); 13 bases into the intron before coding-DNA position 1144, A replaced by G.
Molecular consequence: intron variant.
Genome position (GRCh38, 1-based): chr5:138,887,477, A>G. VCF-style: chr5-138887477-A-G. GRCh37 (hg19) VCF-style: chr5-138223166-A-G.
Other names: c.1144-13A>G (NM_001323982.2, NM_001323984.2, NM_001290307.3 and 3 more transcripts); c.775-13A>G (NM_001290310.3); c.835-13A>G (NM_001290309.3); c.34-13A>G (NM_001323996.1, NM_001323993.1, NM_001324005.1 and 18 more transcripts); c.-364-13A>G (NM_001324007.1, NM_001324009.1, NM_001324006.1 and 1 more transcripts); c.-239-13A>G (NM_001324013.1); c.-58+11880A>G (NM_001324012.1); c.-61+11880A>G (NM_001324010.1).
Identifiers: ClinVar variation 1505657 (VCV001505657.10), dbSNP rs972296777, ClinGen allele CA128238083.